The following is an entry in ClinVar:

NM_001358530.2(MOCS1):c.1103-48_1103-41del

Gene: MOCS1 (molybdenum cofactor synthesis 1; minus strand). Cytogenetic location: 6p21.2.
Variant type: Deletion.
Coding change: c.1103-48_1103-41del on transcript NM_001358530.2 (MANE Select); 48 bases into the intron before coding-DNA position 1103 through 41 bases into the intron before coding-DNA position 1103, 8 bases deleted (TCCCCCTC; older notation c.1103-48_1103-41delTCCCCCTC).
Molecular consequence: intron variant.
Genome position (GRCh38, 1-based): chr6:39,909,143-39,909,150, GAGGGGGA deleted on the plus strand (TCCCCCTC on the coding strand, the reverse complement: MOCS1 is on the minus strand); deleting any 8 consecutive bases within chr6:39,909,143-39,909,155 gives the same sequence; the c. name uses the placement nearest the transcript's 3' end. VCF-style (leftmost placement, unchanged base first): chr6-39909142-GGAGGGGGA-G. GRCh37 (hg19) VCF-style: chr6-39876918-GGAGGGGGA-G.
Other names: c.842-48_842-41del (NM_001358531.2, NM_001358533.2, NM_001358534.2); c.1102+685_1102+692del (NM_001358529.2); c.1103-48_1103-41del (NM_001075098.4, NM_005943.6).
Identifiers: ClinVar variation 4886358 (VCV004886358.2).

ClinVar aggregate classification (germline): Uncertain significance (1 of 4 stars; one submission).

Submission:

Dasa
Classification: Uncertain significance. Last evaluated: 2025-11-20. Review status: criteria provided, single submitter. Criteria: DASA Assertion Criteria. Collection method: clinical testing. Allele origin: germline.
Comment: NM_001358530.2(MOCS1):c.1103-48_1103-41del is an intronic variant. This variant is rare in population databases. The currently available literature and clinical evidence are not sufficient to establish a definitive association between this variant and the reported condition. Therefore, this variant is classified as a variant of uncertain significance.